The following is an entry in ClinVar:

ClinVar aggregate classification (germline): Uncertain significance (1 of 4 stars; one submission).

Conditions:
Glycogen storage disease IXb (GSD9B). Also called: GLYCOGENOSIS OF LIVER AND MUSCLE, AUTOSOMAL RECESSIVE; GSD IXb; PHOSPHORYLASE KINASE DEFICIENCY OF LIVER AND MUSCLE, AUTOSOMAL RECESSIVE. Identifiers: Orphanet 79240, MedGen C0543514, MONDO:0009868, OMIM 261750.

gnomAD v4.1: 1 of 1,612,198 alleles (0.000062%); highest among the groups gnomAD compares: Non-Finnish European, 0.000085%; no homozygotes.

Submission:

Laboratorio de Genetica e Diagnostico Molecular, Hospital Israelita Albert Einstein
Classification: Uncertain significance for Glycogen storage disease IXb. Last evaluated: 2024-11-01. Review status: criteria provided, single submitter. Criteria: ACMG Guidelines, 2015. Collection method: clinical testing. Allele origin: germline. Affected: yes.
Comment: ACMG classification criteria: PM2 supporting, PP3 supporting

NM_000293.3(PHKB):c.1046A>G (p.Tyr349Cys)

Gene: PHKB (phosphorylase kinase regulatory subunit beta; plus strand). Cytogenetic location: 16q12.1.
Variant type: single nucleotide variant.
Coding change: c.1046A>G on transcript NM_000293.3 (MANE Select); coding-DNA position 1046, A replaced by G.
Protein change: p.Tyr349Cys; replaces tyrosine 349 with cysteine.
Molecular consequence: missense variant.
Genome position (GRCh38, 1-based): chr16:47,589,080, A>G. VCF-style: chr16-47589080-A-G. GRCh37 (hg19) VCF-style: chr16-47622991-A-G.
Other names: c.1025A>G, p.Tyr342Cys (NM_001031835.3); c.1046A>G, p.Tyr349Cys (NM_001363837.1); short protein forms Y342C, Y349C.
Identifiers: ClinVar variation 4056719 (VCV004056719.1).
Genomic context (GRCh38, chr16:47,589,080, plus strand): 5'-GATTTAAACGTTTCTTGAGAGATGGGTATAGAACATCATTGGAAGATCCCAACAGATGCT[A>G]CTACAAGCCAGCTGAAATTAAGGTATTAAAAAATATTCCATGGTAATCGCATATCAGAGC-3'
Protein context (NP_000284.1, residues 339-359): RTSLEDPNRC[Tyr349Cys]YKPAEIKLFD